The following is an entry in ClinVar:

ClinVar aggregate classification (germline): Benign/Likely benign. Review status: criteria provided, multiple submitters, no conflicts (2 of 4 stars). 6 submissions from 6 submitters: Benign (1); Likely benign (4). 1 of the submissions does not count toward it. Last evaluated 2025-12-14.

Conditions:
ATM-related disorder. Also called: ATM-related disorders; ATM-related condition.
Hereditary cancer-predisposing syndrome. Also called: Neoplastic Syndromes, Hereditary; Hereditary Cancer Syndrome; Tumor predisposition; Hereditary neoplastic syndrome. Identifiers: Orphanet 140162, MedGen C0027672, MeSH D009386, MONDO:0015356.
Familial cancer of breast. Also called: Hereditary breast cancer; BREAST CANCER, FAMILIAL; hereditary breast carcinoma. Identifiers: Orphanet 227535, MedGen C0346153, MONDO:0016419, OMIM 114480. Disease mechanism: loss of function.
Ataxia-telangiectasia syndrome (AT). Also called: LOUIS-BAR SYNDROME; Cerebello-oculocutaneous telangiectasia; Immunodeficiency with ataxia telangiectasia; Ataxia-telangiectasia, complementation group D; AT, COMPLEMENTATION GROUP C; Ataxia-telangiectasia, complementation group E. Identifiers: Orphanet 100, MedGen C0004135, MONDO:0008840, OMIM 208900.

Allele frequency attached by ClinVar (database versions not stated): ExAC 0.00001; gnomAD 0.00001; gnomAD exomes 0.00001; TOPMed 0.00001.
gnomAD v4.1: 19 of 1,613,940 alleles (0.0012%); highest among the groups gnomAD compares: African/African-American, 0.004%; no homozygotes.

Submissions (6):

Labcorp Genetics (formerly Invitae), Labcorp
Classification: Likely benign for Ataxia-telangiectasia syndrome. Last evaluated: 2025-12-14. Review status: criteria provided, single submitter. Criteria: Invitae Variant Classification Sherloc (09022015). Collection method: clinical testing. Allele origin: germline.

Myriad Genetics, Inc.
Classification: Benign for Familial cancer of breast. Last evaluated: 2024-06-18. Review status: criteria provided, single submitter. Criteria: Myriad Autosomal Dominant, Autosomal Recessive and X-Linked Classification Criteria (2023). Collection method: clinical testing. Allele origin: unknown.
Comment: This variant is considered benign. This variant is a silent/synonymous amino acid change and it is not expected to impact splicing.

Women's Health and Genetics/Laboratory Corporation of America, LabCorp
Classification: Likely benign. Last evaluated: 2020-01-31. Review status: criteria provided, single submitter. Criteria: LabCorp Variant Classification Summary - May 2015. Collection method: clinical testing. Allele origin: germline.

Color Diagnostics, LLC DBA Color Health
Classification: Likely benign for Hereditary cancer-predisposing syndrome. Last evaluated: 2017-11-26. Review status: criteria provided, single submitter. Criteria: ACMG Guidelines, 2015. Collection method: clinical testing. Allele origin: germline.

Ambry Genetics
Classification: Likely benign for Hereditary cancer-predisposing syndrome. Last evaluated: 2016-01-22. Review status: criteria provided, single submitter. Criteria: Ambry Variant Classification Scheme 2023. Collection method: clinical testing. Allele origin: germline.

PreventionGenetics, part of Exact Sciences
Classification: Likely benign for ATM-related condition. Last evaluated: 2024-01-08. Review status: no assertion criteria provided. Collection method: clinical testing. Allele origin: germline. Not counted in ClinVar's aggregate classification.
Comment: This variant is classified as likely benign based on ACMG/AMP sequence variant interpretation guidelines (Richards et al. 2015 PMID: 25741868, with internal and published modifications).

NM_000051.4(ATM):c.8109T>C (p.Asp2703=)

Genes: C11orf65 (chromosome 11 open reading frame 65; minus strand), ATM (ATM serine/threonine kinase; plus strand). Cytogenetic location: 11q22.3.
Variant type: single nucleotide variant.
Coding change: c.8109T>C on transcript NM_000051.4 (MANE Select); coding-DNA position 8109, T replaced by C.
Protein change: p.Asp2703=; no amino-acid change (aspartic acid 2703 retained).
Molecular consequence: synonymous variant. On other transcripts: intron variant (2).
Genome position (GRCh38, 1-based): chr11:108,335,067, T>C. VCF-style: chr11-108335067-T-C. GRCh37 (hg19) VCF-style: chr11-108205794-T-C.
Other names: c.8109T>C, p.Asp2703= (NM_001351834.2); c.641-25996A>G (NM_001330368.2); c.*38+153A>G (NM_001351110.2).
Identifiers: ClinVar variation 482561 (VCV000482561.21), dbSNP rs201689025, ClinGen allele CA6266275.